The following is an entry in ClinVar:

ClinVar aggregate classification (germline): Pathogenic/Likely pathogenic. Review status: criteria provided, multiple submitters, no conflicts (2 of 4 stars). 4 submissions from 4 submitters: Pathogenic (1); Likely pathogenic (2). 1 of the submissions does not count toward it. Last evaluated 2024-09-03.

Conditions:
KYNU-related disorder. Also called: KYNU-related condition; KYNU-related disorders.
Congenital NAD deficiency disorder. Identifiers: MedGen CN241975.
Catel-Manzke syndrome. Also called: HYPERPHALANGY-CLINODACTYLY OF INDEX FINGER WITH PIERRE ROBIN SYNDROME; INDEX FINGER ANOMALY WITH PIERRE ROBIN SYNDROME; MICROGNATHIA DIGITAL SYNDROME; PIERRE ROBIN SYNDROME WITH HYPERPHALANGY AND CLINODACTYLY. Identifiers: Orphanet 1388, MedGen C1844887, MONDO:0014507, OMIM 616145.

Allele frequency attached by ClinVar (database versions not stated): ESP Exome Variant Server 0.00008; gnomAD exomes 0.00003 and 0.00007; TOPMed 0.00004; ExAC 0.00010; gnomAD 0.00001.
gnomAD v4.1: 46 of 1,611,356 alleles (0.0029%); highest among the groups gnomAD compares: Admixed American, 0.013%; no homozygotes.

Submissions (4):

Blueprint Genetics
Classification: Likely pathogenic for KYNU-related disorders. Last evaluated: 2024-09-03. Review status: criteria provided, single submitter. Criteria: ACMG Guidelines, 2015. Collection method: clinical testing. Allele origin: germline. Affected: yes. Observed: 5 variant alleles.

GeneDx
Classification: Likely pathogenic. Last evaluated: 2023-01-10. Review status: criteria provided, single submitter. Criteria: GeneDx Variant Classification Process June 2021. Collection method: clinical testing. Allele origin: germline. Affected: yes.
Comment: Published functional studies demonstrate a damaging effect (Szot et al., 2021); In silico analysis supports that this missense variant has a deleterious effect on protein structure/function; This variant is associated with the following publications: (PMID: 34426522, 31923704, 33942433)

Institute for Medical Genetics and Human Genetics, Charité - Universitätsmedizin Berlin
Classification: Pathogenic for Catel-Manzke syndrome. Last evaluated: 2012-01-07. Review status: criteria provided, single submitter. Criteria: ACMG Guidelines, 2015. Collection method: research. Allele origin: germline. Inheritance: Autosomal recessive inheritance. Affected: yes. Observed: 2 compound heterozygotes. Clinical features observed: Finger hyperphalangy (HP:0030367).

Embryology Laboratory, Victor Chang Cardiac Research Institute
Classification: Pathogenic for Congenital NAD Deficiency Disorder. Last evaluated: 2020-11-11. Review status: no assertion criteria provided. Collection method: research. Allele origin: inherited. Inheritance: Autosomal recessive inheritance. Affected: yes. Observed: 1 variant allele, 1 compound heterozygote. Not counted in ClinVar's aggregate classification.
Comment: This variant, c.1282C>T, was found in compound heterozygosity with the pathogenic variant c.489del

Literature cited by the submitters: PubMed 31923704 (cited by Institute for Medical Genetics and Human Genetics, Charité - Universitätsmedizin Berlin); PubMed 33942433 (cited by Embryology Laboratory, Victor Chang Cardiac Research Institute).

NM_003937.3(KYNU):c.1282C>T (p.Arg428Trp)

Gene: KYNU (kynureninase; plus strand). Cytogenetic location: 2q22.2.
Variant type: single nucleotide variant.
Coding change: c.1282C>T on transcript NM_003937.3 (MANE Select); coding-DNA position 1282, C replaced by T.
Protein change: p.Arg428Trp; replaces arginine 428 with tryptophan.
Molecular consequence: missense variant.
Genome position (GRCh38, 1-based): chr2:143,042,056, C>T. VCF-style: chr2-143042056-C-T. GRCh37 (hg19) VCF-style: chr2-143799625-C-T.
Other names: c.1282C>T, p.Arg428Trp (NM_001199241.2); c.1282C>T (NM_003937.2); short protein forms R428W.
Identifiers: ClinVar variation 978268 (VCV000978268.7), dbSNP rs147475752, ClinGen allele CA1897043.